The following is an entry in ClinVar:

ClinVar aggregate classification (germline): Uncertain significance (1 of 4 stars; one submission).

Conditions:
Dilated cardiomyopathy 1R (CMD1R). Identifiers: Orphanet 154, Orphanet 54260, MedGen C3150681, MONDO:0013261, OMIM 613424.
Atrial septal defect 5 (ASD5). Identifiers: Orphanet 1478, MedGen C2748552, MONDO:0013011, OMIM 612794.
Hypertrophic cardiomyopathy 11. Also called: ACTC1-Related Familial Hypertrophic Cardiomyopathy. Identifiers: MedGen C2677506, MONDO:0012799, OMIM 612098.

Submission:

Labcorp Genetics (formerly Invitae), Labcorp
Classification: Uncertain significance for Dilated cardiomyopathy 1R; Hypertrophic cardiomyopathy 11; Atrial septal defect 5. Last evaluated: 2022-12-24. Review status: criteria provided, single submitter. Criteria: Invitae Variant Classification Sherloc (09022015). Collection method: clinical testing. Allele origin: germline.
Comment: This variant is not present in population databases (gnomAD no frequency). This sequence change replaces glutamic acid, which is acidic and polar, with valine, which is neutral and non-polar, at codon 101 of the ACTC1 protein (p.Glu101Val). This variant has not been reported in the literature in individuals affected with ACTC1-related conditions. In summary, the available evidence is currently insufficient to determine the role of this variant in disease. Therefore, it has been classified as a Variant of Uncertain Significance. This variant disrupts the p.Glu101 amino acid residue in ACTC1. Other variant(s) that disrupt this residue have been determined to be pathogenic (PMID: 10966831, 16611632, 17611253, 18506004, 19799913, 21622575). This suggests that this residue is clinically significant, and that variants that disrupt this residue are likely to be disease-causing. Advanced modeling of protein sequence and biophysical properties (such as structural, functional, and spatial information, amino acid conservation, physicochemical variation, residue mobility, and thermodynamic stability) performed at Invitae indicates that this missense variant is expected to disrupt ACTC1 protein function. ClinVar contains an entry for this variant (Variation ID: 842324).

Literature cited by the submitters: PubMed 10966831; PubMed 16611632; PubMed 17611253; PubMed 18506004; PubMed 19799913; PubMed 21622575.

NM_005159.5(ACTC1):c.302A>T (p.Glu101Val)

Genes: GJD2-DT (GJD2 divergent transcript; plus strand), ACTC1 (actin alpha cardiac muscle 1; minus strand). Cytogenetic location: 15q14.
Variant type: single nucleotide variant.
Coding change: c.302A>T on transcript NM_005159.5 (MANE Select); coding-DNA position 302, A replaced by T.
Protein change: p.Glu101Val; replaces glutamic acid 101 with valine.
Molecular consequence: missense variant.
Genome position (GRCh38, 1-based): chr15:34,793,397, T>A on the plus strand (A>T on the coding strand, the complement: ACTC1 is on the minus strand). VCF-style: chr15-34793397-T-A. GRCh37 (hg19) VCF-style: chr15-35085598-T-A.
Other names: short protein forms E101V.
Identifiers: ClinVar variation 842324 (VCV000842324.9), dbSNP rs1891748027, ClinGen allele CA391631535.